The following is an entry in ClinVar:

ClinVar aggregate classification (germline): Uncertain significance. Review status: criteria provided, multiple submitters, no conflicts (2 of 4 stars). 2 submissions from 2 submitters: Uncertain significance (2). Last evaluated 2024-02-24.

Allele frequency attached by ClinVar (database versions not stated): ExAC 0.00001; gnomAD exomes 0.00001 and 0.00003; gnomAD 0.00004 and 0.00005; TOPMed 0.00005; ESP Exome Variant Server 0.00015; 1000 Genomes Project 0.00020; 1000 Genomes Project 30x 0.00031.
gnomAD v4.1: 44 of 1,611,932 alleles (0.0027%); highest among the groups gnomAD compares: African/African-American, 0.0067%; no homozygotes.

Submissions (2):

Labcorp Genetics (formerly Invitae), Labcorp
Classification: Uncertain significance. Last evaluated: 2024-02-24. Review status: criteria provided, single submitter. Criteria: Invitae Variant Classification Sherloc (09022015). Collection method: clinical testing. Allele origin: germline.
Comment: This sequence change creates a premature translational stop signal (p.Tyr272*) in the UMOD gene. It is expected to result in an absent or disrupted protein product. However, the current clinical and genetic evidence is not sufficient to establish whether loss-of-function variants in UMOD cause disease. This variant is present in population databases (rs141383844, gnomAD 0.004%). This variant has not been reported in the literature in individuals affected with UMOD-related conditions. ClinVar contains an entry for this variant (Variation ID: 489216). In summary, the available evidence is currently insufficient to determine the role of this variant in disease. Therefore, it has been classified as a Variant of Uncertain Significance.

GeneDx
Classification: Uncertain significance. Last evaluated: 2017-12-08. Review status: criteria provided, single submitter. Criteria: GeneDx Variant Classification (06012015). Collection method: clinical testing. Allele origin: germline. Affected: yes.
Comment: The Y272X variant in the UMOD gene has not been reported previously as a pathogenic variant, nor as a benign variant, to our knowledge. This variant is predicted to cause loss of normal protein function either through protein truncation or nonsense-mediated mRNA decay, however, loss-of-function is not a known mechanism of disease for the UMOD gene. The Y272X variant is observed in 3/270,990 total alleles in large population cohorts (Lek et al., 2016). We interpret Y272X as a variant of uncertain significance.

NM_003361.4(UMOD):c.816C>A (p.Tyr272Ter)

Gene: UMOD (uromodulin; minus strand). Cytogenetic location: 16p12.3.
Variant type: single nucleotide variant.
Coding change: c.816C>A on transcript NM_003361.4 (MANE Select); coding-DNA position 816, C replaced by A.
Protein change: p.Tyr272Ter; replaces tyrosine 272 with a stop codon.
Molecular consequence: nonsense. On other transcripts: non-coding transcript variant (1).
Genome position (GRCh38, 1-based): chr16:20,348,485, G>T on the plus strand (C>A on the coding strand, the complement: UMOD is on the minus strand). VCF-style: chr16-20348485-G-T. GRCh37 (hg19) VCF-style: chr16-20359807-G-T.
Other names: c.816C>A, p.Tyr272Ter (NM_001008389.3, NM_001378232.1, NM_001378233.1 and 3 more transcripts); c.915C>A, p.Tyr305Ter (NM_001278614.2); short protein forms Y272*, Y305*.
Identifiers: ClinVar variation 489216 (VCV000489216.7), dbSNP rs141383844, ClinGen allele CA7939400.